The following is an entry in ClinVar:

NM_001017420.3(ESCO2):c.376dup (p.Met126fs)

Gene: ESCO2 (establishment of sister chromatid cohesion N-acetyltransferase 2; plus strand). Cytogenetic location: 8p21.1.
Variant type: Duplication.
Coding change: c.376dup on transcript NM_001017420.3 (MANE Select); coding-DNA position 376, one base duplicated (A; older notation c.376dupA).
Protein change: p.Met126fs; shifts the reading frame from methionine 126.
Molecular consequence: frameshift variant.
Genome position (GRCh38, 1-based): chr8:27,776,684, A duplicated; the last of 6 consecutive A bases (chr8:27,776,679-27,776,684); duplicating any one gives the same sequence. VCF-style (leftmost placement, unchanged base first): chr8-27776678-G-GA. GRCh37 (hg19) VCF-style: chr8-27634195-G-GA.
Other names: short protein forms M126fs.
Identifiers: ClinVar variation 1376646 (VCV001376646.6), dbSNP rs1804799285, ClinGen allele CA645550053.

ClinVar aggregate classification (germline): Pathogenic (1 of 4 stars; one submission).

Submission:

Labcorp Genetics (formerly Invitae), Labcorp
Classification: Pathogenic. Last evaluated: 2024-02-28. Review status: criteria provided, single submitter. Criteria: Invitae Variant Classification Sherloc (09022015). Collection method: clinical testing. Allele origin: germline.
Comment: This sequence change creates a premature translational stop signal (p.Met126Asnfs*22) in the ESCO2 gene. It is expected to result in an absent or disrupted protein product. Loss-of-function variants in ESCO2 are known to be pathogenic (PMID: 15821733, 16380922). This variant is not present in population databases (gnomAD no frequency). This variant has not been reported in the literature in individuals affected with ESCO2-related conditions. ClinVar contains an entry for this variant (Variation ID: 1376646). Algorithms developed to predict the effect of sequence changes on RNA splicing suggest that this variant may create or strengthen a splice site. For these reasons, this variant has been classified as Pathogenic.

Literature cited by the submitters: PubMed 15821733; PubMed 16380922.